The following is an entry in ClinVar:

NM_025114.4(CEP290):c.4825_4826del (p.Gln1609fs)

Gene: CEP290 (centrosomal protein 290; minus strand). Cytogenetic location: 12q21.32.
Variant type: Deletion.
Coding change: c.4825_4826del on transcript NM_025114.4 (MANE Select); coding-DNA positions 4825 to 4826, 2 bases deleted (CA; older notation c.4825_4826delCA).
Protein change: p.Gln1609fs; shifts the reading frame from glutamine 1609.
Molecular consequence: frameshift variant.
Genome position (GRCh38, 1-based): chr12:88,083,217-88,083,218, TG deleted on the plus strand (CA on the coding strand, the reverse complement: CEP290 is on the minus strand); deleting any 2 consecutive bases within chr12:88,083,217-88,083,219 gives the same sequence; the c. name uses the placement nearest the transcript's 3' end. VCF-style (leftmost placement, unchanged base first): chr12-88083216-CTG-C. GRCh37 (hg19) VCF-style: chr12-88476993-CTG-C.
Other names: short protein forms Q1609fs.
Identifiers: ClinVar variation 2043148 (VCV002043148.4), dbSNP rs2499961754, ClinGen allele CA2580086840.

ClinVar aggregate classification (germline): Pathogenic (1 of 4 stars; one submission).

Conditions:
Joubert syndrome. Also called: CEREBELLOPARENCHYMAL DISORDER IV; JOUBERT-BOLTSHAUSER SYNDROME; Familial aplasia of the vermis. Identifiers: Orphanet 475, MedGen C5979921, MONDO:0018772.
Nephronophthisis. Also called: Juvenile Nephronophthisis. Identifiers: Orphanet 655, MedGen C0687120, MONDO:0019005, HP:0000090.
Meckel-Gruber syndrome. Also called: DYSENCEPHALIA SPLANCHNOCYSTICA; GRUBER SYNDROME; Dysencephalia splachnocystica. Identifiers: Orphanet 564, MedGen C0265215, MONDO:0018921.

Submission:

Labcorp Genetics (formerly Invitae), Labcorp
Classification: Pathogenic for Joubert syndrome; Meckel-Gruber syndrome; Nephronophthisis. Last evaluated: 2022-12-05. Review status: criteria provided, single submitter. Criteria: Invitae Variant Classification Sherloc (09022015). Collection method: clinical testing. Allele origin: germline.
Comment: For these reasons, this variant has been classified as Pathogenic. Algorithms developed to predict the effect of sequence changes on RNA splicing suggest that this variant may create or strengthen a splice site. This variant has not been reported in the literature in individuals affected with CEP290-related conditions. This variant is not present in population databases (gnomAD no frequency). This sequence change creates a premature translational stop signal (p.Gln1609Valfs*16) in the CEP290 gene. It is expected to result in an absent or disrupted protein product. Loss-of-function variants in CEP290 are known to be pathogenic (PMID: 16909394, 17345604, 20690115).

Literature cited by the submitters: PubMed 16909394; PubMed 17345604; PubMed 20690115.